The following is an entry in ClinVar:

ClinVar aggregate classification (germline): Likely pathogenic (1 of 4 stars; one submission).

Submission:

GeneDx
Classification: Likely pathogenic. Last evaluated: 2026-01-28. Review status: criteria provided, single submitter. Criteria: GeneDx Variant Classification Process June 2021. Collection method: clinical testing. Allele origin: germline.
Comment: Canonical splice site variant predicted to result in a null allele in a gene for which loss of function is a known mechanism of disease; Not observed at significant frequency in large population cohorts (gnomAD); Located in a regulatory region; in the absence of functional studies, the actual effect of this sequence change is unknown; Has not been previously published as pathogenic or benign to our knowledge

NM_015030.2(FRYL):c.-80-2A>G

Gene: FRYL (FRY like transcription coactivator; minus strand). Cytogenetic location: 4p11.
Variant type: single nucleotide variant.
Coding change: c.-80-2A>G on transcript NM_015030.2 (MANE Select); the canonical splice acceptor site of the intron before 80 bases upstream of the start codon, A replaced by G.
Molecular consequence: splice acceptor variant.
Genome position (GRCh38, 1-based): chr4:48,634,492, T>C on the plus strand (A>G on the coding strand, the complement: FRYL is on the minus strand). VCF-style: chr4-48634492-T-C. GRCh37 (hg19) VCF-style: chr4-48636509-T-C.
Identifiers: ClinVar variation 4686105 (VCV004686105.2).